The following is an entry in ClinVar:

ClinVar aggregate classification (germline): Pathogenic. Review status: criteria provided, multiple submitters, no conflicts (2 of 4 stars). 7 submissions from 7 submitters: Pathogenic (7). Last evaluated 2025-09-10.

Conditions:
ATM-related cancer predisposition. Also called: ATM-related cancer susceptibility. Identifiers: MedGen CN377759, MONDO:0700270.
Hereditary cancer-predisposing syndrome. Also called: Tumor predisposition; Neoplastic Syndromes, Hereditary; Hereditary Cancer Syndrome; Hereditary neoplastic syndrome. Identifiers: Orphanet 140162, MedGen C0027672, MeSH D009386, MONDO:0015356.
Familial cancer of breast. Also called: Hereditary breast cancer; BREAST CANCER, FAMILIAL; hereditary breast carcinoma. Identifiers: Orphanet 227535, MedGen C0346153, MONDO:0016419, OMIM 114480. Disease mechanism: loss of function.
Ataxia-telangiectasia syndrome (AT). Also called: ATAXIA-TELANGIECTASIA, COMPLEMENTATION GROUP A; ATAXIA-TELANGIECTASIA, FRESNO VARIANT; Ataxia-telangiectasia; Ataxia-telangiectasia, complementation group D; AT, COMPLEMENTATION GROUP C; Ataxia-telangiectasia, complementation group E. Identifiers: Orphanet 100, MedGen C0004135, MONDO:0008840, OMIM 208900.
Malignant tumor of breast. Also called: Malignant breast neoplasm; Cancer breast. Identifiers: MedGen C0006142, MONDO:0007254. Disease mechanism: loss of function.

Allele frequency attached by ClinVar (database versions not stated): gnomAD exomes below 0.00001.

Submissions (7):

GeneDx
Classification: Pathogenic. Last evaluated: 2025-09-10. Review status: criteria provided, single submitter. Criteria: GeneDx Variant Classification Process June 2021. Collection method: clinical testing. Allele origin: germline. Affected: yes.
Comment: Nonsense variant predicted to result in protein truncation or nonsense mediated decay in a gene for which loss-of-function is a known mechanism of disease; Not observed at significant frequency in large population cohorts (gnomAD); Truncating variants in this gene are considered pathogenic by a well-established clinical consortium and/or database; This variant is associated with the following publications: (PMID: 8659541, 8808599, 10817650, 36029002, 10330348)

Labcorp Genetics (formerly Invitae), Labcorp
Classification: Pathogenic for Ataxia-telangiectasia syndrome. Last evaluated: 2025-06-22. Review status: criteria provided, single submitter. Criteria: Invitae Variant Classification Sherloc (09022015). Collection method: clinical testing. Allele origin: germline.
Comment: This sequence change creates a premature translational stop signal (p.Tyr2124*) in the ATM gene. It is expected to result in an absent or disrupted protein product. Loss-of-function variants in ATM are known to be pathogenic (PMID: 23807571, 25614872). This variant is not present in population databases (gnomAD no frequency). This premature translational stop signal has been observed in individual(s) with ataxia-telangiectasia (PMID: 8659541). This variant is also known as c.6372insG. ClinVar contains an entry for this variant (Variation ID: 837012). Algorithms developed to predict the effect of sequence changes on RNA splicing suggest that this variant may disrupt the consensus splice site. For these reasons, this variant has been classified as Pathogenic.

Myriad Genetics, Inc.
Classification: Pathogenic for Familial cancer of breast. Last evaluated: 2024-01-29. Review status: criteria provided, single submitter. Criteria: Myriad Autosomal Dominant, Autosomal Recessive and X-Linked Classification Criteria (2023). Collection method: clinical testing. Allele origin: unknown.
Comment: This variant is considered pathogenic. This variant creates a termination codon and is predicted to result in premature protein truncation.

Baylor Genetics
Classification: Pathogenic for Familial cancer of breast. Last evaluated: 2023-06-06. Review status: criteria provided, single submitter. Criteria: ACMG Guidelines, 2015. Collection method: clinical testing. Allele origin: unknown.

Institute for Genomic Medicine (IGM) Clinical Laboratory, Nationwide Children's Hospital
Classification: Pathogenic for ATM-related cancer predisposition. Last evaluated: 2023-05-03. Review status: criteria provided, single submitter. Criteria: ACMG Guidelines, 2015. Collection method: clinical testing. Allele origin: germline.
Comment: This variant is predicted to result in loss of function through nonsense-mediated decay of the encoded transcript or premature truncation of the encoded protein in a gene in which loss of function is a known mechanism of disease (ACMG/AMP: PVS1; PMIDs:10677309, 33509806). This variant has been reported at an elevated frequency in affected individuals/in multiple affected individuals in the literature (ACMG/AMP: PS4_Supporting; PMID:8659541). This variant is absent from or present at an exceedingly low frequency in gnomAD, a large-scale control population database (ACMG/AMP: PM2).

Ambry Genetics
Classification: Pathogenic for Hereditary cancer-predisposing syndrome. Last evaluated: 2023-03-22. Review status: criteria provided, single submitter. Criteria: Ambry Variant Classification Scheme 2023. Collection method: clinical testing. Allele origin: germline.
Comment: The c.6371_6372insG pathogenic mutation, located in coding exon 43 of the ATM gene, results from an insertion of one nucleotide at position 6371, causing a translational frameshift with a predicted alternate stop codon (p.Y2124*). This alteration is expected to result in loss of function by premature protein truncation or nonsense-mediated mRNA decay. This variant is considered to be rare based on population cohorts in the Genome Aggregation Database (gnomAD). As such, this alteration is interpreted as a disease-causing mutation.

Women's Health and Genetics/Laboratory Corporation of America, LabCorp
Classification: Pathogenic for Malignant tumor of breast. Last evaluated: 2021-09-13. Review status: criteria provided, single submitter. Criteria: LabCorp Variant Classification Summary - May 2015. Collection method: clinical testing. Allele origin: germline.
Comment: Variant summary: ATM c.6371_6372insG (p.Tyr2124X) results in a premature termination codon, predicted to cause a truncation of the encoded protein or absence of the protein due to nonsense mediated decay, which are commonly known mechanisms for disease. Truncations downstream of this position have been classified as pathogenic by our laboratory. Additionally, one functional study reports experimental evidence that this variant results in exon deleted, presumably allowing the production of a shortened, in-frame transcript, which could still have some partial function (Wright_1996). The variant was absent in 249538 control chromosomes (gnomAD). c.6371_6372insG has been reported in the literature in individuals affected with Ataxia-Telangiectasia (Wright_1996, Telatar_1996, Li_2000). These data indicate that the variant may be associated with disease. One ClinVar submitter (evaluation after 2014) cites the variant as pathogenic. Based on the evidence outlined above, the variant was classified as pathogenic.

Literature cited by the submitters: PubMed 23807571 (cited by Labcorp Genetics (formerly Invitae), Labcorp); PubMed 25614872 (cited by Labcorp Genetics (formerly Invitae), Labcorp); PubMed 8659541 (cited by 3 submitters); PubMed 10677309 (cited by Institute for Genomic Medicine (IGM) Clinical Laboratory, Nationwide Children's Hospital); PubMed 33509806 (cited by Institute for Genomic Medicine (IGM) Clinical Laboratory, Nationwide Children's Hospital); PubMed 10817650 (cited by Women's Health and Genetics/Laboratory Corporation of America, LabCorp); PubMed 8808599 (cited by Women's Health and Genetics/Laboratory Corporation of America, LabCorp).

NM_000051.4(ATM):c.6371_6372insG (p.Tyr2124Ter)

Genes: ATM (ATM serine/threonine kinase; plus strand), C11orf65 (chromosome 11 open reading frame 65; minus strand). Cytogenetic location: 11q22.3.
Variant type: Insertion.
Coding change: c.6371_6372insG on transcript NM_000051.4 (MANE Select); coding-DNA positions 6371 to 6372, G inserted.
Protein change: p.Tyr2124Ter; replaces tyrosine 2124 with a stop codon.
Molecular consequence: nonsense. On other transcripts: intron variant (2).
Genome position: GRCh38 VCF-style: chr11-108319977-A-AG. GRCh37 (hg19) VCF-style: chr11-108190704-A-AG.
Other names: c.6371_6372insG, p.Tyr2124Ter (NM_001351834.2); c.641-10907_641-10906insC (NM_001330368.2); c.*39-10907_*39-10906insC (NM_001351110.2); short protein forms Y2124*.
Identifiers: ClinVar variation 837012 (VCV000837012.17), dbSNP rs2085078278, ClinGen allele CA916080473.